The following is an entry in ClinVar:

NM_020822.3(KCNT1):c.1769+172G>T

Gene: KCNT1 (potassium sodium-activated channel subfamily T member 1; plus strand). Cytogenetic location: 9q34.3.
Variant type: single nucleotide variant.
Coding change: c.1769+172G>T on transcript NM_020822.3 (MANE Select); 172 bases into the intron after coding-DNA position 1769, G replaced by T.
Molecular consequence: intron variant.
Genome position (GRCh38, 1-based): chr9:135,770,619, G>T. VCF-style: chr9-135770619-G-T. GRCh37 (hg19) VCF-style: chr9-138662465-G-T.
Other names: c.1634+172G>T (NM_001272003.2).
Identifiers: ClinVar variation 682122 (VCV000682122.1), dbSNP rs10735240, ClinGen allele CA12975877.
Genomic context (GRCh38, chr9:135,770,619, plus strand): 5'-CTCGGGGGAGGGCATCAGGTCATCCTGCCTGGCGAGGGCAGCCGCAGGACTGGGCTCCGG[G>T]TCCACATAAAAACCTGCCACGCGGCTCCTCCCTGAGGCTTGTGGGCTGACCCCAGCTCTC-3'

ClinVar aggregate classification (germline): Benign (1 of 4 stars; one submission).

Allele frequency attached by ClinVar (database versions not stated): 1000 Genomes Project 0.52137; 1000 Genomes Project 30x 0.52889; TOPMed 0.53035.
gnomAD v4.1: 81,572 of 152,056 alleles (54%); highest among the groups gnomAD compares: African/African-American, 65%; 22,435 homozygotes.

Submission:

GeneDx
Classification: Benign. Last evaluated: 2018-06-14. Review status: criteria provided, single submitter. Criteria: GeneDx Variant Classification (06012015). Collection method: clinical testing. Allele origin: germline. Affected: yes.
Comment: This variant is considered likely benign or benign based on one or more of the following criteria: it is a conservative change, it occurs at a poorly conserved position in the protein, it is predicted to be benign by multiple in silico algorithms, and/or has population frequency not consistent with disease.